The following is an entry in ClinVar:

NM_002439.5(MSH3):c.3110A>G (p.Asp1037Gly)

Gene: MSH3 (mutS homolog 3; plus strand). Cytogenetic location: 5q14.1.
Variant type: single nucleotide variant.
Coding change: c.3110A>G on transcript NM_002439.5 (MANE Select); coding-DNA position 3110, A replaced by G.
Protein change: p.Asp1037Gly; replaces aspartic acid 1037 with glycine.
Molecular consequence: missense variant.
Genome position (GRCh38, 1-based): chr5:80,864,922, A>G. VCF-style: chr5-80864922-A-G. GRCh37 (hg19) VCF-style: chr5-80160741-A-G.
Other names: c.3110A>G (NM_002439.3); short protein forms D1037G.
Identifiers: ClinVar variation 1369055 (VCV001369055.7), dbSNP rs1454115884, ClinGen allele CA360346440.
Genomic context (GRCh38, chr5:80,864,922, plus strand): 5'-TAGAAAAAAATTACTCACACCAGGTGGGGAATTACCACATGGGATTCTTGGTCAGTGAGG[A>G]TGAAAGCAAACTGGATCCAGGTATGAAATATTCCTGCAGTTGGTACAAATATTGGTTTTC-3'
Protein context (NP_002430.3, residues 1027-1047): NYHMGFLVSE[Asp1037Gly]ESKLDPGAAE

ClinVar aggregate classification (germline): Uncertain significance. Review status: criteria provided, multiple submitters, no conflicts (2 of 4 stars). 2 submissions from 2 submitters: Uncertain significance (2). Last evaluated 2026-07-06.

Conditions:
Hereditary cancer-predisposing syndrome. Also called: Hereditary Cancer Syndrome; Neoplastic Syndromes, Hereditary; Hereditary neoplastic syndrome; Tumor predisposition. Identifiers: Orphanet 140162, MedGen C0027672, MeSH D009386, MONDO:0015356.

Allele frequency attached by ClinVar (database versions not stated): gnomAD exomes below 0.00001.
gnomAD v4.1: 1 of 1,613,982 alleles (0.000062%); highest among the groups gnomAD compares: East Asian, 0.0022%; no homozygotes.

Submissions (2):

Ambry Genetics
Classification: Uncertain significance for Hereditary cancer-predisposing syndrome. Last evaluated: 2026-07-06. Review status: criteria provided, single submitter. Criteria: Ambry Variant Classification Scheme 2023. Collection method: clinical testing. Allele origin: germline.
Comment: The p.D1037G variant (also known as c.3110A>G), located in coding exon 22 of the MSH3 gene, results from an A to G substitution at nucleotide position 3110. The aspartic acid at codon 1037 is replaced by glycine, an amino acid with similar properties. This amino acid position is conserved. In addition, this alteration is predicted to be tolerated by in silico analysis. Based on the available evidence, the clinical significance of this variant remains unclear.

Labcorp Genetics (formerly Invitae), Labcorp
Classification: Uncertain significance. Last evaluated: 2021-08-27. Review status: criteria provided, single submitter. Criteria: Invitae Variant Classification Sherloc (09022015). Collection method: clinical testing. Allele origin: germline.
Comment: This variant is not present in population databases (ExAC no frequency). This sequence change replaces aspartic acid with glycine at codon 1037 of the MSH3 protein (p.Asp1037Gly). The aspartic acid residue is moderately conserved and there is a moderate physicochemical difference between aspartic acid and glycine. This variant has not been reported in the literature in individuals affected with MSH3-related conditions. In summary, the available evidence is currently insufficient to determine the role of this variant in disease. Therefore, it has been classified as a Variant of Uncertain Significance. Algorithms developed to predict the effect of missense changes on protein structure and function are either unavailable or do not agree on the potential impact of this missense change (SIFT: "Deleterious"; PolyPhen-2: "Benign"; Align-GVGD: "Class C0").